The following is an entry in ClinVar:

ClinVar aggregate classification (germline): Uncertain significance (1 of 4 stars; one submission).

Submission:

CeGaT Center for Human Genetics Tuebingen
Classification: Uncertain significance. Last evaluated: 2024-08-01. Review status: criteria provided, single submitter. Criteria: CeGaT Center For Human Genetics Tuebingen Variant Classification Criteria Version 2. Collection method: clinical testing. Allele origin: germline. Affected: yes. Observed: 1 variant allele.
Comment: COL9A2: PM2, PP3

NM_001852.4(COL9A2):c.721G>A (p.Gly241Arg)

Gene: COL9A2 (collagen type IX alpha 2 chain; minus strand). Cytogenetic location: 1p34.2.
Variant type: single nucleotide variant.
Coding change: c.721G>A on transcript NM_001852.4 (MANE Select); coding-DNA position 721, G replaced by A.
Protein change: p.Gly241Arg; replaces glycine 241 with arginine.
Molecular consequence: missense variant.
Genome position (GRCh38, 1-based): chr1:40,310,281, C>T on the plus strand (G>A on the coding strand, the complement: COL9A2 is on the minus strand). VCF-style: chr1-40310281-C-T. GRCh37 (hg19) VCF-style: chr1-40775953-C-T.
Other names: short protein forms G241R.
Identifiers: ClinVar variation 3342074 (VCV003342074.16).